The following is an entry in ClinVar:

ClinVar aggregate classification (germline): Uncertain significance (1 of 4 stars; one submission).

Conditions:
Anterior segment dysgenesis. Also called: Ocular anterior segment dysgenesis. Identifiers: Orphanet 88632, MedGen C1862839, MONDO:0019503, HP:0007700.
Congenital primary aphakia. Also called: Anterior segment dysgenesis 2, multiple subtypes; ANTERIOR SEGMENT DYSGENESIS 2. Identifiers: Orphanet 83461, MedGen C1853230, MONDO:0012456, OMIM 610256.

Submission:

Labcorp Genetics (formerly Invitae), Labcorp
Classification: Uncertain significance for Anterior segment dysgenesis; Congenital primary aphakia. Last evaluated: 2024-05-22. Review status: criteria provided, single submitter. Criteria: Invitae Variant Classification Sherloc (09022015). Collection method: clinical testing. Allele origin: germline.
Comment: This sequence change replaces phenylalanine, which is neutral and non-polar, with serine, which is neutral and polar, at codon 186 of the FOXE3 protein (p.Phe186Ser). This variant is not present in population databases (gnomAD no frequency). This variant has not been reported in the literature in individuals affected with FOXE3-related conditions. Advanced modeling of protein sequence and biophysical properties (such as structural, functional, and spatial information, amino acid conservation, physicochemical variation, residue mobility, and thermodynamic stability) performed at Invitae indicates that this missense variant is not expected to disrupt FOXE3 protein function with a negative predictive value of 95%. In summary, the available evidence is currently insufficient to determine the role of this variant in disease. Therefore, it has been classified as a Variant of Uncertain Significance.

NM_012186.3(FOXE3):c.557T>C (p.Phe186Ser)

Genes: LINC01389 (long independently transcribed non-coding RNA 1389; minus strand), FOXE3 (forkhead box E3; plus strand). Cytogenetic location: 1p33.
Variant type: single nucleotide variant.
Coding change: c.557T>C on transcript NM_012186.3 (MANE Select); coding-DNA position 557, T replaced by C.
Protein change: p.Phe186Ser; replaces phenylalanine 186 with serine.
Molecular consequence: missense variant.
Genome position (GRCh38, 1-based): chr1:47,416,872, T>C. VCF-style: chr1-47416872-T-C. GRCh37 (hg19) VCF-style: chr1-47882544-T-C.
Other names: short protein forms F186S.
Identifiers: ClinVar variation 2954430 (VCV002954430.3), dbSNP rs2521319978, ClinGen allele CA340250237.